The following is an entry in ClinVar:

ClinVar aggregate classification (germline): Uncertain significance (1 of 4 stars; one submission).

Conditions:
Hereditary cancer-predisposing syndrome. Also called: Hereditary Cancer Syndrome; Hereditary neoplastic syndrome; Tumor predisposition; Neoplastic Syndromes, Hereditary. Identifiers: Orphanet 140162, MedGen C0027672, MeSH D009386, MONDO:0015356.
Cardiovascular phenotype. Identifiers: MedGen CN230736.

Submission:

Ambry Genetics
Classification: Uncertain significance for Cardiovascular phenotype; Hereditary cancer-predisposing syndrome. Last evaluated: 2024-08-19. Review status: criteria provided, single submitter. Criteria: Ambry Variant Classification Scheme 2023. Collection method: clinical testing. Allele origin: germline.
Comment: The p.F98V variant (also known as c.292T>G), located in coding exon 3 of the LZTR1 gene, results from a T to G substitution at nucleotide position 292. The phenylalanine at codon 98 is replaced by valine, an amino acid with highly similar properties. This amino acid position is conserved. In addition, this alteration is predicted to be deleterious by in silico analysis. Based on the available evidence, the clinical significance of this variant remains unclear.

NM_006767.4(LZTR1):c.292T>G (p.Phe98Val)

Gene: LZTR1 (leucine zipper like post translational regulator 1; plus strand). Cytogenetic location: 22q11.21.
Variant type: single nucleotide variant.
Coding change: c.292T>G on transcript NM_006767.4 (MANE Select); coding-DNA position 292, T replaced by G.
Protein change: p.Phe98Val; replaces phenylalanine 98 with valine.
Molecular consequence: missense variant.
Genome position (GRCh38, 1-based): chr22:20,985,869, T>G. VCF-style: chr22-20985869-T-G. GRCh37 (hg19) VCF-style: chr22-21340158-T-G.
Other names: short protein forms F98V.
Identifiers: ClinVar variation 3541532 (VCV003541532.1).
Genomic context (GRCh38, chr22:20,985,869, plus strand): 5'-TAATGCCACCCTCTCTTCCGGCTGCCTTTCAGGAAGACCATGCTCAATGACCTCCTGCGG[T>G]TCGATGTGAAAGACTGCTCCTGGTGCAGGTGGGTGGCCCCGTGCTCCAGGGCCCTGCCTT-3'
Protein context (NP_006758.2, residues 88-108): GKTMLNDLLR[Phe98Val]DVKDCSWCRA